The following is an entry in ClinVar:

NM_002661.5(PLCG2):c.3563C>T (p.Pro1188Leu)

Gene: PLCG2 (phospholipase C gamma 2; plus strand). Cytogenetic location: 16q23.3.
Variant type: single nucleotide variant.
Coding change: c.3563C>T on transcript NM_002661.5 (MANE Select); coding-DNA position 3563, C replaced by T.
Protein change: p.Pro1188Leu; replaces proline 1188 with leucine.
Molecular consequence: missense variant.
Genome position (GRCh38, 1-based): chr16:81,946,256, C>T. VCF-style: chr16-81946256-C-T. GRCh37 (hg19) VCF-style: chr16-81979861-C-T.
Other names: short protein forms P1188L.
Identifiers: ClinVar variation 1421575 (VCV001421575.6), dbSNP rs1354525679, ClinGen allele CA396909960.
Genomic context (GRCh38, chr16:81,946,256, plus strand): 5'-AGAATGGGTACAGCGAGGACATAGAGCTGGCTTCCCTCCTGGTTTTCTGTGAGATGCGGC[C>T]AGTCCTGGTGAGTGGAGAAACACCAGTTAAGGGTTCCCTGAGCTATGCCTGCTGGTGAGG-3'
Protein context (NP_002652.2, residues 1178-1198): ASLLVFCEMR[Pro1188Leu]VLESEEELYS

ClinVar aggregate classification (germline): Uncertain significance (1 of 4 stars; one submission).

Conditions:
Familial cold autoinflammatory syndrome 3 (FCAS3). Also called: ANTIBODY DEFICIENCY AND IMMUNE DYSREGULATION, PLCG2-ASSOCIATED; FAMILIAL ATYPICAL COLD URTICARIA. Identifiers: Orphanet 300359, MedGen C3280914, MONDO:0013766, OMIM 614468.

Allele frequency attached by ClinVar (database versions not stated): gnomAD 0.00001; TOPMed 0.00002.
gnomAD v4.1: 2 of 1,612,650 alleles (0.00012%); highest among the groups gnomAD compares: Non-Finnish European, 0.00017%; no homozygotes.

Submission:

Labcorp Genetics (formerly Invitae), Labcorp
Classification: Uncertain significance for Familial cold autoinflammatory syndrome 3. Last evaluated: 2022-05-06. Review status: criteria provided, single submitter. Criteria: Invitae Variant Classification Sherloc (09022015). Collection method: clinical testing. Allele origin: germline.
Comment: In summary, the available evidence is currently insufficient to determine the role of this variant in disease. Therefore, it has been classified as a Variant of Uncertain Significance. Algorithms developed to predict the effect of missense changes on protein structure and function (SIFT, PolyPhen-2, Align-GVGD) all suggest that this variant is likely to be tolerated. This variant has not been reported in the literature in individuals affected with PLCG2-related conditions. This variant is present in population databases (no rsID available, gnomAD 0.007%). This sequence change replaces proline, which is neutral and non-polar, with leucine, which is neutral and non-polar, at codon 1188 of the PLCG2 protein (p.Pro1188Leu).